The following is an entry in ClinVar:

ClinVar aggregate classification (germline): Likely pathogenic (1 of 4 stars; one submission).

Conditions:
Ehlers-Danlos syndrome, dermatosparaxis type. Also called: Ehlers-Danlos syndrome, type VII, autosomal recessive; EDS VIIC; Dermatosparaxis. Identifiers: Orphanet 1901, MedGen C2700425, MONDO:0009161, OMIM 225410.

Submission:

Natera, Inc.
Classification: Likely pathogenic for Ehlers-Danlos syndrome type VIIC. Last evaluated: 2024-04-24. Review status: criteria provided, single submitter. Criteria: Natera Variant Classification Schema (03/2026). Collection method: clinical testing. Allele origin: germline.
Comment: The c.1569delC variant in ADAMTS2 is a frameshift variant predicted to shift the reading frame beginning at codon 524 and leads to a stop codon 30 codons downstream. This variant is expected to result in nonsense mediated decay, truncation, or a dysfunctional protein product. This variant is rare in the general population with a frequency below the threshold expected for the associated phenotype(s). Given the available evidence, this variant is classified as Likely Pathogenic.

NM_014244.5(ADAMTS2):c.1569del (p.Tyr524fs)

Gene: ADAMTS2 (ADAM metallopeptidase with thrombospondin type 1 motif 2; minus strand). Cytogenetic location: 5q35.3.
Variant type: Deletion.
Coding change: c.1569del on transcript NM_014244.5 (MANE Select); coding-DNA position 1569, one base deleted (C; older notation c.1569delC).
Protein change: p.Tyr524fs; shifts the reading frame from tyrosine 524.
Molecular consequence: frameshift variant.
Genome position (GRCh38, 1-based): chr5:179,152,202, G deleted on the plus strand (C on the coding strand, the reverse complement: ADAMTS2 is on the minus strand); the first of 4 consecutive G bases (chr5:179,152,202-179,152,205); deleting any one gives the same sequence. VCF-style (leftmost placement, unchanged base first): chr5-179152201-AG-A. GRCh37 (hg19) VCF-style: chr5-178579202-AG-A.
Other names: c.1569del, p.Tyr524fs (NM_021599.4); short protein forms Y524fs.
Identifiers: ClinVar variation 4815613 (VCV004815613.1).